The following is an entry in ClinVar:

NM_001040108.2(MLH3):c.2538G>T (p.Leu846Phe)

Gene: MLH3 (mutL homolog 3; minus strand). Cytogenetic location: 14q24.3.
Variant type: single nucleotide variant.
Coding change: c.2538G>T on transcript NM_001040108.2 (MANE Select); coding-DNA position 2538, G replaced by T.
Protein change: p.Leu846Phe; replaces leucine 846 with phenylalanine.
Molecular consequence: missense variant.
Genome position (GRCh38, 1-based): chr14:75,047,118, C>A on the plus strand (G>T on the coding strand, the complement: MLH3 is on the minus strand). VCF-style: chr14-75047118-C-A. GRCh37 (hg19) VCF-style: chr14-75513821-C-A.
Other names: c.2538G>T, p.Leu846Phe (NM_014381.3); short protein forms L846F.
Identifiers: ClinVar variation 1792783 (VCV001792783.2), dbSNP rs1892293678, ClinGen allele CA390439933.

ClinVar aggregate classification (germline): Uncertain significance (1 of 4 stars; one submission).

Submission:

Ambry Genetics
Classification: Uncertain significance. Last evaluated: 2021-12-11. Review status: criteria provided, single submitter. Criteria: Ambry Variant Classification Scheme 2023. Collection method: clinical testing. Allele origin: germline.
Comment: The p.L846F variant (also known as c.2538G>T), located in coding exon 1 of the MLH3 gene, results from a G to T substitution at nucleotide position 2538. The leucine at codon 846 is replaced by phenylalanine, an amino acid with highly similar properties. This amino acid position is conserved. In addition, this alteration is predicted to be tolerated by in silico analysis. Since supporting evidence is limited at this time, the clinical significance of this alteration remains unclear.